The following is an entry in ClinVar:

ClinVar aggregate classification (germline): Uncertain significance (1 of 4 stars; one submission).

Submission:

Women's Health and Genetics/Laboratory Corporation of America, LabCorp
Classification: Uncertain significance. Last evaluated: 2026-01-15. Review status: criteria provided, single submitter. Criteria: LabCorp Variant Classification Summary - May 2015. Collection method: clinical testing. Allele origin: germline.
Comment: Variant summary: The variant involves the duplication of exons 1-10 in the ADA2 gene. A presumed nomenclature of c.(?_-127)_(*2694_?)dup has been designated for the purposes of this classification. This duplication includes the entire coding sequence of the gene. As exact breakpoints are unknown, it may extend beyond the annotated region of the gene, to include other flanking genes. The variant was absent in 21582 control chromosomes. The available data on variant occurrences in the general population are insufficient to allow any conclusion about variant significance. To our knowledge, no occurrence of c.(?_-127)_(*2694_?)dup in individuals affected with ADA2-related conditions and no experimental evidence demonstrating its impact on protein function have been reported. ClinVar contains an entry for this variant (Variation ID: 1399825). Based on the evidence outlined above, the variant was classified as uncertain significance.

NC_000022.10:g.(?_17659679)_(17700326_?)dup

Gene: ADA2 (adenosine deaminase 2; minus strand). Cytogenetic location: 22q11.1.
Variant type: Duplication.
Identifiers: ClinVar variation 4689363 (VCV004689363.1).